The following is an entry in ClinVar:

ClinVar aggregate classification (germline): Uncertain significance. Review status: criteria provided, multiple submitters, no conflicts (2 of 4 stars). 4 submissions from 4 submitters: Uncertain significance (4). Last evaluated 2025-08-30.

Conditions:
Hereditary cancer-predisposing syndrome. Also called: Tumor predisposition; Hereditary Cancer Syndrome; Hereditary neoplastic syndrome; Neoplastic Syndromes, Hereditary. Identifiers: Orphanet 140162, MedGen C0027672, MeSH D009386, MONDO:0015356.
Familial adenomatous polyposis 1 (FAP1). Also called: FAMILIAL ADENOMATOUS POLYPOSIS 1, ATTENUATED; POLYPOSIS, ADENOMATOUS INTESTINAL. Identifiers: MedGen C2713442, MONDO:0021056, OMIM 175100. Disease mechanism: loss of function.

Allele frequency attached by ClinVar (database versions not stated): gnomAD 0.00001; TOPMed 0.00002.
gnomAD v4.1: 2 of 1,598,856 alleles (0.00013%); highest among the groups gnomAD compares: African/African-American, 0.0027%; no homozygotes.

Submissions (4):

Ambry Genetics
Classification: Uncertain significance for Hereditary cancer-predisposing syndrome. Last evaluated: 2025-08-30. Review status: criteria provided, single submitter. Criteria: Ambry Variant Classification Scheme 2023. Collection method: clinical testing. Allele origin: germline.
Comment: The p.K167E variant (also known as c.499A>G), located in coding exon 4 of the APC gene, results from an A to G substitution at nucleotide position 499. The lysine at codon 167 is replaced by glutamic acid, an amino acid with similar properties. This amino acid position is highly conserved in available vertebrate species. In addition, in silico predictors for this gene do not accurately predict pathogenicity. Since supporting evidence is limited at this time, the clinical significance of this alteration remains unclear.

Labcorp Genetics (formerly Invitae), Labcorp
Classification: Uncertain significance for Familial adenomatous polyposis 1. Last evaluated: 2024-10-30. Review status: criteria provided, single submitter. Criteria: Invitae Variant Classification Sherloc (09022015). Collection method: clinical testing. Allele origin: germline.
Comment: This sequence change replaces lysine, which is basic and polar, with glutamic acid, which is acidic and polar, at codon 167 of the APC protein (p.Lys167Glu). This variant is not present in population databases (gnomAD no frequency). This variant has not been reported in the literature in individuals affected with APC-related conditions. ClinVar contains an entry for this variant (Variation ID: 537446). Invitae Evidence Modeling of protein sequence and biophysical properties (such as structural, functional, and spatial information, amino acid conservation, physicochemical variation, residue mobility, and thermodynamic stability) indicates that this missense variant is not expected to disrupt APC protein function with a negative predictive value of 95%. In summary, the available evidence is currently insufficient to determine the role of this variant in disease. Therefore, it has been classified as a Variant of Uncertain Significance.

GeneDx
Classification: Uncertain significance. Last evaluated: 2023-10-16. Review status: criteria provided, single submitter. Criteria: GeneDx Variant Classification Process June 2021. Collection method: clinical testing. Allele origin: germline. Affected: yes.
Comment: Not observed at significant frequency in large population cohorts (gnomAD); In silico analysis supports that this missense variant does not alter protein structure/function; Has not been previously published as pathogenic or benign to our knowledge

Color Diagnostics, LLC DBA Color Health
Classification: Uncertain significance for Hereditary cancer-predisposing syndrome. Last evaluated: 2020-11-24. Review status: criteria provided, single submitter. Criteria: ACMG Guidelines, 2015. Collection method: clinical testing. Allele origin: germline.
Comment: This missense variant replaces lysine with glutamic acid at codon 167 of the APC protein. Computational prediction is inconclusive regarding the impact of this variant on protein structure and function (internally defined REVEL score threshold 0.5 < inconclusive < 0.7, PMID: 27666373). To our knowledge, functional studies have not been reported for this variant. This variant has not been reported in individuals affected with hereditary cancer in the literature. This variant has not been identified in the general population by the Genome Aggregation Database (gnomAD). The available evidence is insufficient to determine the role of this variant in disease conclusively. Therefore, this variant is classified as a Variant of Uncertain Significance.

NM_000038.6(APC):c.499A>G (p.Lys167Glu)

Gene: APC (APC regulator of Wnt signaling pathway; plus strand). Cytogenetic location: 5q22.2.
Variant type: single nucleotide variant.
Coding change: c.499A>G on transcript NM_000038.6 (MANE Select); coding-DNA position 499, A replaced by G.
Protein change: p.Lys167Glu; replaces lysine 167 with glutamic acid.
Molecular consequence: missense variant. On other transcripts: 5 prime UTR variant (1).
Genome position (GRCh38, 1-based): chr5:112,775,705, A>G. VCF-style: chr5-112775705-A-G. GRCh37 (hg19) VCF-style: chr5-112111402-A-G.
Other names: c.322A>G, p.Lys108Glu (NM_001354900.2, NM_001354901.2, NM_001354905.2); c.529A>G, p.Lys177Glu (NM_001354902.2, NM_001127511.3, NM_001354897.2); c.499A>G, p.Lys167Glu (NM_001354903.2, NM_001127510.3, NM_001354895.2 and 2 more transcripts); c.424A>G, p.Lys142Glu (NM_001354904.2, NM_001354898.2); c.-537A>G (NM_001354906.2); short protein forms K167E, K177E, K142E, K108E.
Identifiers: ClinVar variation 537446 (VCV000537446.16), dbSNP rs1310352139, ClinGen allele CA16022414.